The following is an entry in ClinVar:

NM_001737.5(C9):c.326C>A (p.Thr109Lys)

Gene: C9 (complement C9; minus strand). Cytogenetic location: 5p13.1.
Variant type: single nucleotide variant.
Coding change: c.326C>A on transcript NM_001737.5 (MANE Select); coding-DNA position 326, C replaced by A.
Protein change: p.Thr109Lys; replaces threonine 109 with lysine.
Molecular consequence: missense variant.
Genome position (GRCh38, 1-based): chr5:39,341,558, G>T on the plus strand (C>A on the coding strand, the complement: C9 is on the minus strand). VCF-style: chr5-39341558-G-T. GRCh37 (hg19) VCF-style: chr5-39341660-G-T.
Other names: short protein forms T109K.
Identifiers: ClinVar variation 2632144 (VCV002632144.1), dbSNP rs149836549, ClinGen allele CA359563287.

ClinVar aggregate classification (germline): Uncertain significance (1 of 4 stars; one submission).

Conditions:
C9-related disorder. Also called: C9-related condition.

gnomAD v4.1: 1 of 1,613,708 alleles (0.000062%); highest among the groups gnomAD compares: Middle Eastern, 0.017%; no homozygotes.

Submission:

PreventionGenetics, part of Exact Sciences
Classification: Uncertain significance for C9-related condition. Last evaluated: 2023-07-11. Review status: criteria provided, single submitter. Criteria: ACMG Guidelines, 2015. Collection method: clinical testing. Allele origin: germline.
Comment: The C9 c.326C>A variant is predicted to result in the amino acid substitution p.Thr109Lys. To our knowledge, this variant has not been reported in the literature or in a large population database, indicating this variant is rare. At this time, the clinical significance of this variant is uncertain due to the absence of conclusive functional and genetic evidence.